The following is an entry in ClinVar:

NM_000051.4(ATM):c.4516G>A (p.Val1506Met)

Gene: ATM (ATM serine/threonine kinase; plus strand). Cytogenetic location: 11q22.3.
Variant type: single nucleotide variant.
Coding change: c.4516G>A on transcript NM_000051.4 (MANE Select); coding-DNA position 4516, G replaced by A.
Protein change: p.Val1506Met; replaces valine 1506 with methionine.
Molecular consequence: missense variant.
Genome position (GRCh38, 1-based): chr11:108,292,698, G>A. VCF-style: chr11-108292698-G-A. GRCh37 (hg19) VCF-style: chr11-108163425-G-A.
Other names: c.4516G>A, p.Val1506Met (NM_001351834.2); short protein forms V1506M.
Identifiers: ClinVar variation 216218 (VCV000216218.23), dbSNP rs760542469, ClinGen allele CA336348.

ClinVar aggregate classification (germline): Uncertain significance. Review status: criteria provided, multiple submitters, no conflicts (2 of 4 stars). 6 submissions from 6 submitters: Uncertain significance (5). 1 of the submissions does not count toward it. Last evaluated 2026-01-25.

Conditions:
Hereditary cancer-predisposing syndrome. Also called: Tumor predisposition; Hereditary Cancer Syndrome; Neoplastic Syndromes, Hereditary; Hereditary neoplastic syndrome. Identifiers: Orphanet 140162, MedGen C0027672, MeSH D009386, MONDO:0015356.
Ataxia-telangiectasia syndrome (AT). Also called: Cerebello-oculocutaneous telangiectasia; Immunodeficiency with ataxia telangiectasia; Ataxia telangiectasia (A-T); LOUIS-BAR SYNDROME; ATAXIA-TELANGIECTASIA, COMPLEMENTATION GROUP A; ATAXIA-TELANGIECTASIA, FRESNO VARIANT. Identifiers: Orphanet 100, MedGen C0004135, MONDO:0008840, OMIM 208900.
Familial cancer of breast. Also called: Hereditary breast cancer; BREAST CANCER, FAMILIAL; hereditary breast carcinoma. Identifiers: Orphanet 227535, MedGen C0346153, MONDO:0016419, OMIM 114480. Disease mechanism: loss of function.

Allele frequency attached by ClinVar (database versions not stated): TOPMed 0.00001.
gnomAD v4.1: 5 of 1,613,766 alleles (0.00031%); highest among the groups gnomAD compares: Non-Finnish European, 0.00042%; no homozygotes.

Submissions (6):

Labcorp Genetics (formerly Invitae), Labcorp
Classification: Uncertain significance for Ataxia-telangiectasia syndrome. Last evaluated: 2026-01-25. Review status: criteria provided, single submitter. Criteria: Invitae Variant Classification Sherloc (09022015). Collection method: clinical testing. Allele origin: germline.
Comment: This sequence change replaces valine, which is neutral and non-polar, with methionine, which is neutral and non-polar, at codon 1506 of the ATM protein (p.Val1506Met). This variant is present in population databases (no rsID available, gnomAD 0.003%). This variant has not been reported in the literature in individuals affected with ATM-related conditions. ClinVar contains an entry for this variant (Variation ID: 216218). Invitae Evidence Modeling of protein sequence and biophysical properties (such as structural, functional, and spatial information, amino acid conservation, physicochemical variation, residue mobility, and thermodynamic stability) indicates that this missense variant is not expected to disrupt ATM protein function with a negative predictive value of 95%. In summary, the available evidence is currently insufficient to determine the role of this variant in disease. Therefore, it has been classified as a Variant of Uncertain Significance.

Ambry Genetics
Classification: Uncertain significance for Hereditary cancer-predisposing syndrome. Last evaluated: 2025-11-25. Review status: criteria provided, single submitter. Criteria: Ambry Variant Classification Scheme 2023. Collection method: clinical testing. Allele origin: germline.
Comment: The p.V1506M variant (also known as c.4516G>A), located in coding exon 29 of the ATM gene, results from a G to A substitution at nucleotide position 4516. The valine at codon 1506 is replaced by methionine, an amino acid with highly similar properties. This variant was reported in 1/60,466 breast cancer cases and in 0/53,461 controls (Dorling et al. N Engl J Med. 2021 02;384:428-439). This amino acid position is highly conserved in available vertebrate species. In addition, the in silico prediction for this alteration is inconclusive. Based on the available evidence, the clinical significance of this variant remains unclear.

Baylor Genetics
Classification: Uncertain significance for Familial cancer of breast. Last evaluated: 2024-01-01. Review status: criteria provided, single submitter. Criteria: ACMG Guidelines, 2015. Collection method: clinical testing. Allele origin: unknown.

Quest Diagnostics Nichols Institute San Juan Capistrano
Classification: Uncertain significance. Last evaluated: 2023-11-28. Review status: criteria provided, single submitter. Criteria: Quest Diagnostics criteria. Collection method: clinical testing. Allele origin: unknown.

GeneDx
Classification: Uncertain significance. Last evaluated: 2015-11-04. Review status: criteria provided, single submitter. Criteria: GeneDx Variant Classification (06012015). Collection method: clinical testing. Allele origin: germline. Affected: yes.
Comment: This variant is denoted ATM c.4516G>A at the cDNA level, p.Val1506Met (V1506M) at the protein level, and results in the change of a Valine to a Methionine (GTG>ATG). This variant has not, to our knowledge, been published in the literature as pathogenic or benign. ATM Val1506Met was not observed in approximately 6,500 individuals of European and African American ancestry in the NHLBI Exome Sequencing Project, suggesting it is not a common benign variant in these populations. Since Valine and Methionine share similar properties, this is considered a conservative amino acid substitution. ATM Val1506Met occurs at a position that is conserved across species and is not located in a known functional domain (Tavtigian 2009, Stracker 2013). In silico analyses are inconsistent regarding the effect this variant may have on protein structure and function. Based on currently available evidence, it is unclear whether ATM Val1506Met is a pathogenic or benign variant. We consider it to be a variant of uncertain significance.

Natera, Inc.
Classification: Uncertain significance for Ataxia-telangiectasia. Last evaluated: 2021-08-02. Review status: no assertion criteria provided. Collection method: clinical testing. Allele origin: germline. Not counted in ClinVar's aggregate classification.

Literature cited by the submitters: PubMed 33471991 (cited by Ambry Genetics and Quest Diagnostics Nichols Institute San Juan Capistrano); PubMed 36243179 (cited by Quest Diagnostics Nichols Institute San Juan Capistrano).